The following is an entry in ClinVar:

ClinVar aggregate classification (germline): Uncertain significance (1 of 4 stars; one submission).

Conditions:
Hereditary breast ovarian cancer syndrome. Also called: BRCA1- and BRCA2-Associated Hereditary Breast and Ovarian Cancer; Breast and ovarian cancer; Hereditary breast and ovarian cancer syndrome (HBOC); Hereditary breast and ovarian cancer; Hereditary breast and ovarian cancer syndrome; Hereditary breast and/or ovarian cancer syndrome. Identifiers: Orphanet 145, MedGen C0677776, MeSH D061325, MONDO:0003582. Disease mechanism: loss of function.

Submission:

Labcorp Genetics (formerly Invitae), Labcorp
Classification: Uncertain significance for Hereditary breast ovarian cancer syndrome. Last evaluated: 2021-09-29. Review status: criteria provided, single submitter. Criteria: Invitae Variant Classification Sherloc (09022015). Collection method: clinical testing. Allele origin: germline.
Comment: This variant results in a copy number gain of the genomic region encompassing exon(s) 3-11 of the BRCA2 gene. While the exact position of this variant cannot be determined from the data, sub-genic copy number gains are generally in tandem (PMID: 25640679). This variant is predicted to be in-frame, and likely preserves the integrity of the reading frame. In summary, the available evidence is currently insufficient to determine the role of this variant in disease. Therefore, it has been classified as a Variant of Uncertain Significance. This variant has not been reported in the literature in individuals affected with BRCA2-related conditions.

Literature cited by the submitters: PubMed 25640679.

NC_000013.10:g.(?_32893194)_(32915353_?)dup

Gene: BRCA2 (BRCA2 DNA repair associated; plus strand). Cytogenetic location: 13q13.1.
Variant type: Duplication.
Identifiers: ClinVar variation 665041 (VCV000665041.9).